The following is an entry in ClinVar:

NM_007294.3(BRCA1):c.5278-?_5467+?del

Gene: BRCA1 (BRCA1 DNA repair associated; minus strand). Cytogenetic location: 17q21.31.
Variant type: Deletion.
Coding change: c.5278-?_5467+?del on transcript NM_007294.3.
Other names: c.5278-?_5467+?del (LRG_292t1).
Identifiers: ClinVar variation 188228 (VCV000188228.3).

ClinVar aggregate classification (germline): Pathogenic. Review status: criteria provided, multiple submitters, no conflicts (2 of 4 stars). 2 submissions from 2 submitters: Pathogenic (2). Last evaluated 2016-08-19.

Conditions:
Hereditary breast ovarian cancer syndrome. Also called: Hereditary breast and ovarian cancer syndrome; Hereditary breast and ovarian cancer syndrome (HBOC); BRCA1- and BRCA2-Associated Hereditary Breast and Ovarian Cancer; Breast and ovarian cancer; Hereditary breast and ovarian cancer; Hereditary breast and/or ovarian cancer syndrome. Identifiers: Orphanet 145, MedGen C0677776, MeSH D061325, MONDO:0003582. Disease mechanism: loss of function.
Breast-ovarian cancer, familial, susceptibility to, 1 (BROVCA1). Also called: OVARIAN CANCER, SUSCEPTIBILITY TO; BRCA1 Hereditary Breast and Ovarian Cancer. Identifiers: Orphanet 145, MedGen C2676676, MONDO:0011450, OMIM 604370. Disease mechanism: loss of function.

Submissions (2):

Labcorp Genetics (formerly Invitae), Labcorp
Classification: Pathogenic for Hereditary breast ovarian cancer syndrome. Last evaluated: 2016-08-19. Review status: criteria provided, single submitter. Criteria: Invitae Variant Classification Sherloc (09022015). Collection method: clinical testing. Allele origin: germline.
Comment: This variant is a gross deletion of the genomic region encompassing exons 20-22 of the BRCA1 gene. This creates a premature translational stop signal in the last exon of the BRCA1 mRNA. While this deletion is not anticipated to result in nonsense mediated decay, it is expected to create a truncated BRCA1 protein. Loss-of-function variants including sub-genic deletions in BRCA1 are known to be pathogenic. Deletions of exons 20-22 have been reported in the literature in families with breast and/or ovarian cancer (PMID: 15863663). Deletion of exons 20-22 is also known as deletion of exons 21-23 by alternative exon numbering in the literature. For these reasons, this variant has been classified as Pathogenic.

Consortium of Investigators of Modifiers of BRCA1/2 (CIMBA), c/o University of Cambridge
Classification: Pathogenic for Breast-ovarian cancer, familial, susceptibility to, 1. Last evaluated: 2015-10-02. Review status: criteria provided, single submitter. Criteria: CIMBA Mutation Classification guidelines May 2016. Collection method: clinical testing. Allele origin: germline.